The following is an entry in ClinVar:

NM_004924.6(ACTN4):c.2234G>A (p.Arg745His)

Gene: ACTN4 (actinin alpha 4; plus strand). Cytogenetic location: 19q13.2.
Variant type: single nucleotide variant.
Coding change: c.2234G>A on transcript NM_004924.6 (MANE Select); coding-DNA position 2234, G replaced by A.
Protein change: p.Arg745His; replaces arginine 745 with histidine.
Molecular consequence: missense variant.
Genome position (GRCh38, 1-based): chr19:38,727,000, G>A. VCF-style: chr19-38727000-G-A. GRCh37 (hg19) VCF-style: chr19-39217640-G-A.
Other names: c.2234G>A, p.Arg745His (NM_001322033.2); short protein forms R745H.
Identifiers: ClinVar variation 1426514 (VCV001426514.6), dbSNP rs1184245271, ClinGen allele CA405703152.

ClinVar aggregate classification (germline): Uncertain significance (1 of 4 stars; one submission).

Allele frequency attached by ClinVar (database versions not stated): gnomAD exomes below 0.00001 and 0.00001; TOPMed below 0.00001.
gnomAD v4.1: 10 of 1,614,090 alleles (0.00062%); highest among the groups gnomAD compares: Admixed American, 0.0017%; no homozygotes.

Submission:

Labcorp Genetics (formerly Invitae), Labcorp
Classification: Uncertain significance. Last evaluated: 2021-04-02. Review status: criteria provided, single submitter. Criteria: Invitae Variant Classification Sherloc (09022015). Collection method: clinical testing. Allele origin: germline.
Comment: In summary, the available evidence is currently insufficient to determine the role of this variant in disease. Therefore, it has been classified as a Variant of Uncertain Significance. Algorithms developed to predict the effect of missense changes on protein structure and function are either unavailable or do not agree on the potential impact of this missense change (SIFT: "Not Available"; PolyPhen-2: "Probably Damaging"; Align-GVGD: "Not Available"). This variant has not been reported in the literature in individuals with ACTN4-related conditions. This variant is not present in population databases (ExAC no frequency). This sequence change replaces arginine with histidine at codon 745 of the ACTN4 protein (p.Arg745His). The arginine residue is highly conserved and there is a small physicochemical difference between arginine and histidine.